The following is an entry in ClinVar:

ClinVar aggregate classification (germline): Uncertain significance. Review status: criteria provided, multiple submitters, no conflicts (2 of 4 stars). 2 submissions from 2 submitters: Uncertain significance (2). Last evaluated 2025-08-21.

Conditions:
Inborn genetic diseases. Identifiers: MedGen C0950123, MeSH D030342.

gnomAD v4.1: 12 of 1,613,478 alleles (0.00074%); highest among the groups gnomAD compares: Non-Finnish European, 0.001%; no homozygotes.

Submissions (2):

Ambry Genetics
Classification: Uncertain significance for Inborn genetic diseases. Last evaluated: 2025-08-21. Review status: criteria provided, single submitter. Criteria: Ambry Variant Classification Scheme 2023. Collection method: clinical testing. Allele origin: germline.

CeGaT Center for Human Genetics Tuebingen
Classification: Uncertain significance. Last evaluated: 2024-11-01. Review status: criteria provided, single submitter. Criteria: CeGaT Center For Human Genetics Tuebingen Variant Classification Criteria Version 2. Collection method: clinical testing. Allele origin: germline. Affected: yes. Observed: 1 variant allele.
Comment: NEB: PM2

NM_001164508.2(NEB):c.18928A>G (p.Ile6310Val)

Gene: NEB (nebulin; minus strand). Cytogenetic location: 2q23.3.
Variant type: single nucleotide variant.
Coding change: c.18928A>G on transcript NM_001164508.2 (MANE Select); coding-DNA position 18928, A replaced by G.
Protein change: p.Ile6310Val; replaces isoleucine 6310 with valine.
Molecular consequence: missense variant.
Genome position (GRCh38, 1-based): chr2:151,562,178, T>C on the plus strand (A>G on the coding strand, the complement: NEB is on the minus strand). VCF-style: chr2-151562178-T-C. GRCh37 (hg19) VCF-style: chr2-152418692-T-C.
Other names: c.18928A>G, p.Ile6310Val (NM_001164507.2, NM_001271208.2); c.13825A>G, p.Ile4609Val (NM_004543.5); c.13825A>G (NM_004543.4); short protein forms I4609V, I6310V.
Identifiers: ClinVar variation 3388841 (VCV003388841.15).